The following is an entry in ClinVar:

NC_000008.11:g.(?_99135005)_(99143175_?)del

Gene: VPS13B (vacuolar protein sorting 13 homolog B; plus strand). Cytogenetic location: 8q22.2.
Variant type: Deletion.
Identifiers: ClinVar variation 831519 (VCV000831519.1).

ClinVar aggregate classification (germline): Pathogenic (1 of 4 stars; one submission).

Conditions:
Cohen syndrome (COH1). Also called: Cutis verticis gyrata, retinitis pigmentosa, and sensorineural deafness; PEPPER SYNDROME. Identifiers: Orphanet 193, MedGen C0265223, MONDO:0008999, OMIM 216550.

Submission:

Labcorp Genetics (formerly Invitae), Labcorp
Classification: Pathogenic for Cohen syndrome. Last evaluated: 2019-12-30. Review status: criteria provided, single submitter. Criteria: Invitae Variant Classification Sherloc (09022015). Collection method: clinical testing. Allele origin: germline.
Comment: This variant is an out-of-frame deletion of the genomic region encompassing exons 10-13 of the VPS13B gene. This is expected to create a premature translational stop signal and result in an absent or disrupted protein product. This variant has not been reported in the literature in individuals with VPS13B-related conditions. Loss-of-function variants in VPS13B are known to be pathogenic (PMID: 15141358, 16648375, 20461111). For these reasons, this variant has been classified as Pathogenic.